The following is an entry in ClinVar:

ClinVar aggregate classification (germline): Pathogenic (1 of 4 stars; one submission).

Conditions:
Primary ciliary dyskinesia. Also called: Ciliary dyskinesia. Identifiers: Orphanet 244, MedGen C0008780, MONDO:0016575, HP:0012265.

Submission:

Labcorp Genetics (formerly Invitae), Labcorp
Classification: Pathogenic for Primary ciliary dyskinesia. Last evaluated: 2022-02-17. Review status: criteria provided, single submitter. Criteria: Invitae Variant Classification Sherloc (09022015). Collection method: clinical testing. Allele origin: germline.
Comment: For these reasons, this variant has been classified as Pathogenic. This variant has not been reported in the literature in individuals affected with DNAI1-related conditions. This variant is not present in population databases (gnomAD no frequency). This sequence change creates a premature translational stop signal (p.Ala223Hisfs*9) in the DNAI1 gene. It is expected to result in an absent or disrupted protein product. Loss-of-function variants in DNAI1 are known to be pathogenic (PMID: 16858015, 29363216).

Literature cited by the submitters: PubMed 16858015; PubMed 29363216.

NM_012144.4(DNAI1):c.663_664del (p.Ala223fs)

Gene: DNAI1 (dynein axonemal intermediate chain 1; plus strand). Cytogenetic location: 9p13.3.
Variant type: Deletion.
Coding change: c.663_664del on transcript NM_012144.4 (MANE Select); coding-DNA positions 663 to 664, 2 bases deleted (TT; older notation c.663_664delTT).
Protein change: p.Ala223fs; shifts the reading frame from alanine 223.
Molecular consequence: frameshift variant.
Genome position (GRCh38, 1-based): chr9:34,491,536-34,491,537, TT deleted; deleting any 2 consecutive bases within chr9:34,491,534-34,491,537 gives the same sequence; the c. name uses the placement nearest the transcript's 3' end. VCF-style (leftmost placement, unchanged base first): chr9-34491533-CTT-C. GRCh37 (hg19) VCF-style: chr9-34491531-CTT-C.
Other names: c.675_676del, p.Ala227fs (NM_001281428.2); short protein forms A227fs, A223fs.
Identifiers: ClinVar variation 1395381 (VCV001395381.6), dbSNP rs2132063305, ClinGen allele CA2573144572.
Genomic context (GRCh38, chr9:34,491,533, plus strand): 5'-CTCCTGTTGTCTTGTTCTTTAGGATCGAGAATGCCAGACGGAGCCTCCTCCCAGGACAAA[CTT>C]TTCAGCCACAGCCAATCAGGTAAGACCCTGGGCCAGCCTGAAACCTCTTACCACCCACCT-3'